The following is an entry in ClinVar:

ClinVar aggregate classification (germline): Uncertain significance (1 of 4 stars; one submission).

Conditions:
Hereditary cancer-predisposing syndrome. Also called: Tumor predisposition; Hereditary Cancer Syndrome; Hereditary neoplastic syndrome; Neoplastic Syndromes, Hereditary. Identifiers: Orphanet 140162, MedGen C0027672, MeSH D009386, MONDO:0015356.

Submission:

Ambry Genetics
Classification: Uncertain significance for Hereditary cancer-predisposing syndrome. Last evaluated: 2024-05-29. Review status: criteria provided, single submitter. Criteria: Ambry Variant Classification Scheme 2023. Collection method: clinical testing. Allele origin: germline.
Comment: The p.A51V variant (also known as c.152C>T), located in coding exon 1 of the FANCC gene, results from a C to T substitution at nucleotide position 152. The alanine at codon 51 is replaced by valine, an amino acid with similar properties. This amino acid position is conserved. In addition, this alteration is predicted to be tolerated by in silico analysis. Based on the available evidence, the clinical significance of this variant remains unclear.

NM_000136.3(FANCC):c.152C>T (p.Ala51Val)

Gene: FANCC (FA complementation group C; minus strand). Cytogenetic location: 9q22.32.
Variant type: single nucleotide variant.
Coding change: c.152C>T on transcript NM_000136.3 (MANE Select); coding-DNA position 152, C replaced by T.
Protein change: p.Ala51Val; replaces alanine 51 with valine.
Molecular consequence: missense variant.
Genome position (GRCh38, 1-based): chr9:95,249,140, G>A on the plus strand (C>T on the coding strand, the complement: FANCC is on the minus strand). VCF-style: chr9-95249140-G-A. GRCh37 (hg19) VCF-style: chr9-98011422-G-A.
Other names: c.152C>T, p.Ala51Val (NM_001243743.2, NM_001243744.2); short protein forms A51V.
Identifiers: ClinVar variation 3277649 (VCV003277649.1).